The following is an entry in ClinVar:

ClinVar aggregate classification (germline): Likely benign. Review status: criteria provided, multiple submitters, no conflicts (2 of 4 stars). 3 submissions from 3 submitters: Likely benign (2). 1 of the submissions does not count toward it. Last evaluated 2024-10-29.

Conditions:
Cardiovascular phenotype. Identifiers: MedGen CN230736.
TNXB-related disorder. Also called: TNXB-related condition.

Allele frequency attached by ClinVar (database versions not stated): gnomAD 0.00002 and 0.00004; TOPMed 0.00002; gnomAD exomes 0.00003 and 0.00004; ExAC 0.00007; 1000 Genomes Project 0.00040; 1000 Genomes Project 30x 0.00047.
gnomAD v4.1: 50 of 1,613,770 alleles (0.0031%); highest among the groups gnomAD compares: South Asian, 0.033%; 1 homozygote.

Submissions (3):

Ambry Genetics
Classification: Likely benign for Cardiovascular phenotype. Last evaluated: 2024-10-29. Review status: criteria provided, single submitter. Criteria: Ambry Variant Classification Scheme 2023. Collection method: clinical testing. Allele origin: germline.

GeneDx
Classification: Likely benign. Last evaluated: 2021-02-19. Review status: criteria provided, single submitter. Criteria: GeneDx Variant Classification Process June 2021. Collection method: clinical testing. Allele origin: germline. Affected: yes.

PreventionGenetics, part of Exact Sciences
Classification: Likely benign for TNXB-related condition. Last evaluated: 2019-02-20. Review status: no assertion criteria provided. Collection method: clinical testing. Allele origin: germline. Not counted in ClinVar's aggregate classification.
Comment: This variant is classified as likely benign based on ACMG/AMP sequence variant interpretation guidelines (Richards et al. 2015 PMID: 25741868, with internal and published modifications).

NM_001365276.2(TNXB):c.9018C>T (p.Thr3006=)

Gene: TNXB (tenascin XB; minus strand). Cytogenetic location: 6p21.33.
Variant type: single nucleotide variant.
Coding change: c.9018C>T on transcript NM_001365276.2 (MANE Select); coding-DNA position 9018, C replaced by T.
Protein change: p.Thr3006=; no amino-acid change (threonine 3006 retained).
Molecular consequence: synonymous variant.
Genome position (GRCh38, 1-based): chr6:32,052,767, G>A on the plus strand (C>T on the coding strand, the complement: TNXB is on the minus strand). VCF-style: chr6-32052767-G-A. GRCh37 (hg19) VCF-style: chr6-32020544-G-A.
Other names: c.9012C>T, p.Thr3004= (NM_019105.8).
Identifiers: ClinVar variation 1215704 (VCV001215704.6), dbSNP rs542220442, ClinGen allele CA3733677.